The following is an entry in ClinVar:

NM_198129.4(LAMA3):c.6567C>T (p.Ala2189=)

Gene: LAMA3 (laminin subunit alpha 3; plus strand). Cytogenetic location: 18q11.2.
Variant type: single nucleotide variant.
Coding change: c.6567C>T on transcript NM_198129.4 (MANE Select); coding-DNA position 6567, C replaced by T.
Protein change: p.Ala2189=; no amino-acid change (alanine 2189 retained).
Molecular consequence: synonymous variant.
Genome position (GRCh38, 1-based): chr18:23,904,646, C>T. VCF-style: chr18-23904646-C-T. GRCh37 (hg19) VCF-style: chr18-21484610-C-T.
Other names: c.1740C>T, p.Ala580= (NM_000227.6); c.6399C>T, p.Ala2133= (NM_001127717.4); c.1572C>T, p.Ala524= (NM_001127718.4).
Identifiers: ClinVar variation 1108269 (VCV001108269.32), dbSNP rs189589322, ClinGen allele CA8916421.

ClinVar aggregate classification (germline): Likely benign. Review status: criteria provided, multiple submitters, no conflicts (2 of 4 stars). 2 submissions from 2 submitters: Likely benign (2). Last evaluated 2024-03-18.

Allele frequency attached by ClinVar (database versions not stated): gnomAD exomes 0.00002 and 0.00005; ExAC 0.00004; gnomAD 0.00005 and 0.00006; TOPMed 0.00006.
gnomAD v4.1: 37 of 1,613,788 alleles (0.0023%); highest among the groups gnomAD compares: East Asian, 0.013%; no homozygotes.

Submissions (2):

Labcorp Genetics (formerly Invitae), Labcorp
Classification: Likely benign. Last evaluated: 2024-03-18. Review status: criteria provided, single submitter. Criteria: Invitae Variant Classification Sherloc (09022015). Collection method: clinical testing. Allele origin: germline.

CeGaT Center for Human Genetics Tuebingen
Classification: Likely benign. Last evaluated: 2023-01-01. Review status: criteria provided, single submitter. Criteria: CeGaT Center For Human Genetics Tuebingen Variant Classification Criteria Version 2. Collection method: clinical testing. Allele origin: germline. Affected: yes. Observed: 1 variant allele.
Comment: LAMA3: BP4, BP7